The following is an entry in ClinVar:

ClinVar aggregate classification (germline): Pathogenic/Likely pathogenic. Review status: criteria provided, multiple submitters, no conflicts (2 of 4 stars). 7 submissions from 7 submitters: Pathogenic (3); Likely pathogenic (3). 1 of the submissions does not count toward it. Last evaluated 2025-10-03.

Conditions:
Cystinuria (CSNU). Also called: CYSTINURIA, TYPE I; CYSTINURIA, TYPE II; CYSTINURIA, TYPE III; Cystinuria, non-type I. Identifiers: Orphanet 214, MedGen C0010691, MONDO:0009067, OMIM 220100, HP:0003131.
SLC3A1-related disorder. Also called: SLC3A1-related condition.

Submissions (7):

Rare Kidney Stone Consortium and the Mayo Clinic Hyperoxaluria Center, Mayo Clinic
Classification: Pathogenic for Cystinuria. Last evaluated: 2025-10-03. Review status: criteria provided, single submitter. Criteria: ACMG Guidelines, 2015. Collection method: research. Allele origin: germline. Affected: yes. Observed: 1 variant allele.
Comment: ACMG:PVS1, PM2, PM3, PP5

Labcorp Genetics (formerly Invitae), Labcorp
Classification: Pathogenic for Cystinuria. Last evaluated: 2025-07-29. Review status: criteria provided, single submitter. Criteria: Invitae Variant Classification Sherloc (09022015). Collection method: clinical testing. Allele origin: germline.
Comment: This sequence change creates a premature translational stop signal (p.Arg584Glufs*14) in the SLC3A1 gene. While this is not anticipated to result in nonsense mediated decay, it is expected to disrupt the last 102 amino acid(s) of the SLC3A1 protein. This variant is present in population databases (rs775827496, gnomAD 0.006%). This premature translational stop signal has been observed in individual(s) with cystinuria (PMID: 7573036). This variant is also known as 1749delA. ClinVar contains an entry for this variant (Variation ID: 375410). Algorithms developed to predict the effect of sequence changes on RNA splicing suggest that this variant may disrupt the consensus splice site. This variant disrupts a region of the SLC3A1 protein in which other variant(s) (p.Glu585Alafs*24) have been determined to be pathogenic (PMID: 11748844, 25964309, 28717662; internal data). This suggests that this is a clinically significant region of the protein, and that variants that disrupt it are likely to be disease-causing. For these reasons, this variant has been classified as Pathogenic.

Fulgent Genetics
Classification: Likely pathogenic for Cystinuria. Last evaluated: 2024-04-04. Review status: criteria provided, single submitter. Criteria: ACMG Guidelines, 2015. Collection method: clinical testing. Allele origin: germline.

Victorian Clinical Genetics Services, Murdoch Childrens Research Institute
Classification: Pathogenic for Cystinuria. Last evaluated: 2023-07-16. Review status: criteria provided, single submitter. Criteria: ACMG Guidelines, 2015. Collection method: clinical testing. Allele origin: germline. Affected: yes.
Comment: Based on the classification scheme VCGS_Germline_v1.3.4, this variant is classified as Pathogenic. Following criteria are met: 0102 - Loss of function is a known mechanism of disease in this gene and is associated with cystinuria (MIM#220100). (I) 0108 - This gene is associated with both recessive and dominant disease. Although predominantly associated with recessive disease, there are reports of affected carriers (PMID: 15635077, 25964309). (I) 0112 - The dominant condition associated with this gene has incomplete penetrance (PMID: 22480232). (I) 0205 - Variant is predicted to result in a truncated protein (premature termination codon is NOT located at least 54 nucleotides upstream of the final exon-exon junction) with less than 1/3 of the protein sequence affected. (SP) 0251 - This variant is heterozygous. (I) 0304 - Variant is present in gnomAD (v2, v3) <0.01 (6 heterozygotes, 0 homozygotes). (SP) 0604 - Variant is not located in an established domain, motif, hotspot or informative constraint region. (I) 0701 - Other protein truncating variants comparable to the one identified in this case have very strong previous evidence for pathogenicity. These variants have been reported as pathogenic, and observed in homozygous and compound heterozygous individuals with cystinuria (PMID: 28646536; PMID: 9648062; PMID: 28717662, PMID: 15635077, PMID: 25964309, DECIPHER). (SP) 0801 - This variant has strong previous evidence of pathogenicity in unrelated individuals. This variant has been reported as likely pathogenic and pathogenic, and observed in compound heterozygous individuals with cystinuria (ClinVar, PMID: 15635077, PMID: 28717662). (SP) 0905 - No published segregation evidence has been identified for this variant. (I) 1007 - No published functional evidence has been identified for this variant. (I) 1208 - Inheritance information for this variant is not currently available in this individual. (I) Legend: (SP) - Supporting pathogenic, (I) - Information, (SB) - Supporting benign

Laboratory for Molecular Medicine, Mass General Brigham Personalized Medicine
Classification: Likely pathogenic for Cystinuria. Last evaluated: 2018-01-17. Review status: criteria provided, single submitter. Criteria: LMM Criteria. Collection method: clinical testing. Allele origin: germline. Inheritance: Autosomal recessive inheritance. Observed: 1 variant allele.
Comment: The p.Arg584GlufsX14 (NM_000341.3 c.1750delA) variant in SLC3A1 (legacy nomencla ture c.1749delA) has been reported in at least 8 individuals with cystinuria, in cluding 1 confirmed compound heterozygote (Gasparini 1995, Font-Llitjos 2005, Ch illaron 2010, Gaildrat 2017). This variant has also been reported in ClinVar (Va riation ID#375410). While this variant occurs in the last exon and is expected n ot to undergo nonsense-mediated decay, in vitro functional studies have shown th e region downstream of this variant in SLC3A1 is essential for forming disulfide bonds and its absence may disrupt biogenesis (Rius 2012). Additionally, multipl e frameshift variants have been reported downstream of this position in patients with cystinuria, suggesting deletion of this region may have functional consequ ence. This variant has been identified in 7/111436 European chromosomes by the G enome Aggregation Database (gnomAD; dbSNP rs10 57519470), though this frequency is low enough to be consistent with a recessive carrier frequency. In summary, although additional studies are required to full y establish its clinical significance, the p.Arg584GlufsX14 variant is likely pa thogenic for cystinuria in an autosomal recessive manner based upon observations in affected individuals, functional studies, and predicted impact to the protei n. ACMG/AMP Criteria applied: PM2, PM3, PVS1_Moderate, PS3_Supporting (Richards 2015).

Knight Diagnostic Laboratories, Oregon Health and Sciences University
Classification: Likely pathogenic for Cystinuria. Last evaluated: 2016-07-18. Review status: criteria provided, single submitter. Criteria: ACMG Guidelines, 2015. Collection method: clinical testing. Allele origin: germline. Affected: no. Study: CSER-NextGen.
Comment: The c.1750delA (p.Arg584Glufs*14) frameshift variant (also referred to as c.1749delA in the medical literature) in the SLC3A1 gene has been previously reported in several individuals who were diagnosed with cystinuria (Gasparini et al., 1995; Chillaron J et al., 2010). Additional frameshift variants that are further downstream (towards the 3â€™-end of the gene) have also been reported in affected individuals (Chillaron J et al., 2010). Although this variant is present in the last exon of the gene, the C-terminal tail of this protein that is predicted to be lost as a result of this variant contains cysteine residues that are critical for disulfide bond formation and biogenesis of the transporter (Rius M et al., 2016) .This variant is either absent in the population databases (Exome Sequencing Project, 1000 Genomes) or present at a frequency below that of the disease allele (<0.01%). Therefore, this collective evidence supports the classification of the c.1750delA (p.Arg584Glufs*14) as a Likely pathogenic variant for Cystinuria. We have confirmed this finding in our laboratory using Sanger sequencing.

PreventionGenetics, part of Exact Sciences
Classification: Pathogenic for SLC3A1-related condition. Last evaluated: 2024-03-23. Review status: no assertion criteria provided. Collection method: clinical testing. Allele origin: germline. Not counted in ClinVar's aggregate classification.
Comment: The SLC3A1 c.1750delA variant is predicted to result in a frameshift and premature protein termination (p.Arg584Glufs*14). This variant was reported in individuals with cystinuria including at least one confirmed compound heterozygous individual (Reported as 1749delA in Gasparini et al 1995. PubMed ID: 7573036; Gaildrat P et al 2017. PubMed ID: 28717662; Reported as 1749delA in Font-Llitjós M et al 2005. PubMed ID: 15635077). This variant is reported in 0.0053% of alleles in individuals of European (Non-Finnish) descent in gnomAD. Frameshift variants in SLC3A1 are expected to be pathogenic. This variant is interpreted as pathogenic.

Literature cited by the submitters: PubMed 7573036 (cited by 3 submitters); PubMed 30609409 (cited by Rare Kidney Stone Consortium and the Mayo Clinic Hyperoxaluria Center, Mayo Clinic); PubMed 40794449 (cited by Rare Kidney Stone Consortium and the Mayo Clinic Hyperoxaluria Center, Mayo Clinic); PubMed 11748844 (cited by Labcorp Genetics (formerly Invitae), Labcorp); PubMed 25964309 (cited by Labcorp Genetics (formerly Invitae), Labcorp and Victorian Clinical Genetics Services, Murdoch Childrens Research Institute); PubMed 28717662 (cited by 3 submitters); PubMed 9648062 (cited by Victorian Clinical Genetics Services, Murdoch Childrens Research Institute); PubMed 15635077 (cited by Victorian Clinical Genetics Services, Murdoch Childrens Research Institute and Laboratory for Molecular Medicine, Mass General Brigham Personalized Medicine); PubMed 22480232 (cited by Victorian Clinical Genetics Services, Murdoch Childrens Research Institute); PubMed 28646536 (cited by Victorian Clinical Genetics Services, Murdoch Childrens Research Institute); PubMed 26537754 (cited by Laboratory for Molecular Medicine, Mass General Brigham Personalized Medicine); PubMed 20517292 (cited by Laboratory for Molecular Medicine, Mass General Brigham Personalized Medicine); PubMed 22493502 (cited by Laboratory for Molecular Medicine, Mass General Brigham Personalized Medicine).

NM_000341.4(SLC3A1):c.1750del (p.Arg584fs)

Genes: PREPL (prolyl endopeptidase like; minus strand), SLC3A1 (solute carrier family 3 member 1; plus strand). Cytogenetic location: 2p21.
Variant type: Deletion.
Coding change: c.1750del on transcript NM_000341.4 (MANE Select); coding-DNA position 1750, one base deleted (A; older notation c.1750delA).
Protein change: p.Arg584fs; shifts the reading frame from arginine 584.
Molecular consequence: frameshift variant. On other transcripts: 3 prime UTR variant (10).
Genome position (GRCh38, 1-based): chr2:44,320,331, A deleted; the last of 2 consecutive A bases (chr2:44,320,330-44,320,331); deleting either gives the same sequence. VCF-style (leftmost placement, unchanged base first): chr2-44320329-CA-C. GRCh37 (hg19) VCF-style: chr2-44547468-CA-C.
Other names: c.1750delA (NM_000341.4); c.*1026del (NM_001042385.2, NM_001042386.2, NM_001171603.1 and 7 more transcripts); short protein forms R584fs.
Identifiers: ClinVar variation 375410 (VCV000375410.18), dbSNP rs775827496, ClinGen allele CA1640750.